The following is an entry in ClinVar:

NM_144672.4(OTOA):c.807G>A (p.Ser269=)

Gene: OTOA (otoancorin). Cytogenetic location: 16p12.2.
Variant type: single nucleotide variant.
Coding change: c.807G>A on transcript NM_144672.4 (MANE Select); coding-DNA position 807, G replaced by A.
Protein change: p.Ser269=; no amino-acid change (serine 269 retained).
Molecular consequence: synonymous variant.
Genome position (GRCh38, 1-based): chr16:21,697,842, G>A. VCF-style: chr16-21697842-G-A. GRCh37 (hg19) VCF-style: chr16-21709163-G-A.
Other names: c.807G>A (NM_144672.3); c.570G>A, p.Ser190= (NM_001161683.2).
Identifiers: ClinVar variation 2978113 (VCV002978113.5), dbSNP rs768843963, ClinGen allele CA7952427.

ClinVar aggregate classification (germline): Likely benign. Review status: criteria provided, single submitter (1 of 4 stars). 2 submissions from 2 submitters: Likely benign (1). 1 of the submissions does not count toward it. Last evaluated 2024-05-29.

Conditions:
OTOA-related disorder. Also called: OTOA-related condition.

Allele frequency attached by ClinVar (database versions not stated): TOPMed below 0.00001; gnomAD 0.00001; ExAC 0.00002.
gnomAD v4.1: 31 of 1,613,880 alleles (0.0019%); highest among the groups gnomAD compares: South Asian, 0.0055%; no homozygotes.

Submissions (2):

Labcorp Genetics (formerly Invitae), Labcorp
Classification: Likely benign. Last evaluated: 2024-05-29. Review status: criteria provided, single submitter. Criteria: Invitae Variant Classification Sherloc (09022015). Collection method: clinical testing. Allele origin: germline.

PreventionGenetics, part of Exact Sciences
Classification: Likely benign for OTOA-related condition. Last evaluated: 2019-12-02. Review status: no assertion criteria provided. Collection method: clinical testing. Allele origin: germline. Not counted in ClinVar's aggregate classification.
Comment: This variant is classified as likely benign based on ACMG/AMP sequence variant interpretation guidelines (Richards et al. 2015 PMID: 25741868, with internal and published modifications).